The following is an entry in ClinVar:

NM_022041.4(GAN):c.47_48delinsAC (p.Leu16His)

Genes: GAN (gigaxonin; plus strand), LOC130059498 (ATAC-STARR-seq lymphoblastoid silent region 7753; plus strand). Cytogenetic location: 16q23.2.
Variant type: Indel.
Coding change: c.47_48delinsAC on transcript NM_022041.4 (MANE Select); coding-DNA positions 47 to 48, TG replaced by AC.
Protein change: p.Leu16His; replaces leucine 16 with histidine.
Molecular consequence: missense variant. On other transcripts: 5 prime UTR variant (1).
Genome position (GRCh38, 1-based): chr16:81,315,160-81,315,161, TG replaced by AC. VCF-style: chr16-81315160-TG-AC. GRCh37 (hg19) VCF-style: chr16-81348765-TG-AC.
Other names: c.-478_-477delinsAC (NM_001377486.1); short protein forms L16H.
Identifiers: ClinVar variation 1422264 (VCV001422264.8), dbSNP rs2150663586, ClinGen allele CA2573152727.

ClinVar aggregate classification (germline): Uncertain significance (1 of 4 stars; one submission).

Conditions:
Giant axonal neuropathy 1 (GAN1). Also called: GIANT AXONAL NEUROPATHY 1, AUTOSOMAL RECESSIVE; GAN-Related Neurodegeneration. Identifiers: Orphanet 643, MedGen C1850386, MONDO:0009749, OMIM 256850.

Submission:

Labcorp Genetics (formerly Invitae), Labcorp
Classification: Uncertain significance for Giant axonal neuropathy 1. Last evaluated: 2023-06-15. Review status: criteria provided, single submitter. Criteria: Invitae Variant Classification Sherloc (09022015). Collection method: clinical testing. Allele origin: germline.
Comment: This sequence change replaces leucine, which is neutral and non-polar, with histidine, which is basic and polar, at codon 16 of the GAN protein (p.Leu16His). Information on the frequency of this variant in the gnomAD database is not available, as this variant may be reported differently in the database. This variant has not been reported in the literature in individuals affected with GAN-related conditions. ClinVar contains an entry for this variant (Variation ID: 1422264). An algorithm developed to predict the effect of missense changes on protein structure and function (PolyPhen-2) suggests that this variant is likely to be disruptive. In summary, the available evidence is currently insufficient to determine the role of this variant in disease. Therefore, it has been classified as a Variant of Uncertain Significance.